The following is an entry in ClinVar:

ClinVar aggregate classification (germline): Uncertain significance. Review status: criteria provided, multiple submitters, no conflicts (2 of 4 stars). 2 submissions from 2 submitters: Uncertain significance (2). Last evaluated 2025-03-24.

Conditions:
Inborn genetic diseases. Identifiers: MedGen C0950123, MeSH D030342.
Hyperaldosteronism, familial, type IV (HALD4). Also called: FH IV; ALDOSTERONISM, PRIMARY, AND HYPERTENSION. Identifiers: Orphanet 642671, MedGen C4310756, MONDO:0014875, OMIM 617027.
Idiopathic generalized epilepsy. Also called: EIG; Generalised epilepsy. Identifiers: MedGen C0270850, MONDO:0005579, OMIM 600669.

gnomAD v4.1: 15 of 1,605,442 alleles (0.00093%); highest among the groups gnomAD compares: Non-Finnish European, 0.0013%; no homozygotes.

Submissions (2):

Ambry Genetics
Classification: Uncertain significance for Inborn genetic diseases. Last evaluated: 2025-03-24. Review status: criteria provided, single submitter. Criteria: Ambry Variant Classification Scheme 2023. Collection method: clinical testing. Allele origin: germline.

Labcorp Genetics (formerly Invitae), Labcorp
Classification: Uncertain significance for Idiopathic generalized epilepsy; Hyperaldosteronism, familial, type IV. Last evaluated: 2024-03-17. Review status: criteria provided, single submitter. Criteria: Invitae Variant Classification Sherloc (09022015). Collection method: clinical testing. Allele origin: germline.
Comment: This sequence change replaces leucine, which is neutral and non-polar, with valine, which is neutral and non-polar, at codon 1306 of the CACNA1H protein (p.Leu1306Val). This variant is present in population databases (rs751450496, gnomAD 0.002%). This variant has not been reported in the literature in individuals affected with CACNA1H-related conditions. ClinVar contains an entry for this variant (Variation ID: 2168466). Advanced modeling of protein sequence and biophysical properties (such as structural, functional, and spatial information, amino acid conservation, physicochemical variation, residue mobility, and thermodynamic stability) performed at Invitae indicates that this missense variant is expected to disrupt CACNA1H protein function with a positive predictive value of 80%. In summary, the available evidence is currently insufficient to determine the role of this variant in disease. Therefore, it has been classified as a Variant of Uncertain Significance.

NM_021098.3(CACNA1H):c.3916C>G (p.Leu1306Val)

Gene: CACNA1H (calcium voltage-gated channel subunit alpha1 H; plus strand). Cytogenetic location: 16p13.3.
Variant type: single nucleotide variant.
Coding change: c.3916C>G on transcript NM_021098.3 (MANE Select); coding-DNA position 3916, C replaced by G.
Protein change: p.Leu1306Val; replaces leucine 1306 with valine.
Molecular consequence: missense variant.
Genome position (GRCh38, 1-based): chr16:1,210,440, C>G. VCF-style: chr16-1210440-C-G. GRCh37 (hg19) VCF-style: chr16-1260440-C-G.
Other names: c.3916C>G, p.Leu1306Val (NM_001005407.2); c.3916C>G (NM_021098.2); short protein forms L1306V.
Identifiers: ClinVar variation 2168466 (VCV002168466.5), dbSNP rs751450496, ClinGen allele CA7801015.